The following is an entry in ClinVar:

ClinVar aggregate classification (germline): Uncertain significance (0 of 4 stars; one submission).

Conditions:
CACNA1S-related disorder. Also called: CACNA1S-related condition.

gnomAD v4.1: 3 of 1,613,918 alleles (0.00019%); highest among the groups gnomAD compares: Non-Finnish European, 0.00017%; no homozygotes.

Submission:

PreventionGenetics, part of Exact Sciences
Classification: Uncertain significance for CACNA1S-related condition. Last evaluated: 2024-02-17. Review status: no assertion criteria provided. Collection method: clinical testing. Allele origin: germline.
Comment: The CACNA1S c.3541C>G variant is predicted to result in the amino acid substitution p.Pro1181Ala. To our knowledge, this variant has not been reported in the literature or in a large population database, indicating this variant is rare. At this time, the clinical significance of this variant is uncertain due to the absence of conclusive functional and genetic evidence.

NM_000069.3(CACNA1S):c.3541C>G (p.Pro1181Ala)

Gene: CACNA1S (calcium voltage-gated channel subunit alpha1 S; minus strand). Cytogenetic location: 1q32.1.
Variant type: single nucleotide variant.
Coding change: c.3541C>G on transcript NM_000069.3 (MANE Select); coding-DNA position 3541, C replaced by G.
Protein change: p.Pro1181Ala; replaces proline 1181 with alanine.
Molecular consequence: missense variant.
Genome position (GRCh38, 1-based): chr1:201,058,476, G>C on the plus strand (C>G on the coding strand, the complement: CACNA1S is on the minus strand). VCF-style: chr1-201058476-G-C. GRCh37 (hg19) VCF-style: chr1-201027604-G-C.
Other names: short protein forms P1181A.
Identifiers: ClinVar variation 3029499 (VCV003029499.2), dbSNP rs1660926377, ClinGen allele CA344157754.